The following is an entry in ClinVar:

ClinVar aggregate classification (germline): Uncertain significance (1 of 4 stars; one submission).

Conditions:
Hereditary cancer-predisposing syndrome. Also called: Neoplastic Syndromes, Hereditary; Tumor predisposition; Hereditary neoplastic syndrome; Hereditary Cancer Syndrome. Identifiers: Orphanet 140162, MedGen C0027672, MeSH D009386, MONDO:0015356.

Submission:

Ambry Genetics
Classification: Uncertain significance for Hereditary cancer-predisposing syndrome. Last evaluated: 2026-07-16. Review status: criteria provided, single submitter. Criteria: Ambry Variant Classification Scheme 2023. Collection method: clinical testing. Allele origin: germline.
Comment: The p.A308P variant (also known as c.922G>C), located in coding exon 7 of the POLD1 gene, results from a G to C substitution at nucleotide position 922. The alanine at codon 308 is replaced by proline, an amino acid with highly similar properties. This amino acid position is highly conserved in available vertebrate species. In addition, the in silico prediction for this alteration is inconclusive. Based on the available evidence, the clinical significance of this variant remains unclear.

NM_002691.4(POLD1):c.922G>C (p.Ala308Pro)

Gene: POLD1 (DNA polymerase delta 1, catalytic subunit; plus strand). Cytogenetic location: 19q13.33.
Variant type: single nucleotide variant.
Coding change: c.922G>C on transcript NM_002691.4 (MANE Select); coding-DNA position 922, G replaced by C.
Protein change: p.Ala308Pro; replaces alanine 308 with proline.
Molecular consequence: missense variant. On other transcripts: non-coding transcript variant (1).
Genome position (GRCh38, 1-based): chr19:50,402,693, G>C. VCF-style: chr19-50402693-G-C. GRCh37 (hg19) VCF-style: chr19-50905950-G-C.
Other names: c.922G>C, p.Ala308Pro (NM_001256849.1, NM_001308632.1, NM_001438210.1 and 3 more transcripts); short protein forms A308P.
Identifiers: ClinVar variation 5026982 (VCV005026982.1).